The following is an entry in ClinVar:

NM_001393769.1(MED12L):c.6292C>T (p.Leu2098Phe)

Gene: MED12L (mediator complex subunit 12L; plus strand). Cytogenetic location: 3q25.1.
Variant type: single nucleotide variant.
Coding change: c.6292C>T on transcript NM_001393769.1 (MANE Select); coding-DNA position 6292, C replaced by T.
Protein change: p.Leu2098Phe; replaces leucine 2098 with phenylalanine.
Molecular consequence: missense variant.
Genome position (GRCh38, 1-based): chr3:151,413,290, C>T. VCF-style: chr3-151413290-C-T. GRCh37 (hg19) VCF-style: chr3-151131078-C-T.
Other names: c.6187C>T, p.Leu2063Phe (NM_053002.6); c.6187C>T (NM_053002.5); short protein forms L2098F, L2063F.
Identifiers: ClinVar variation 3124894 (VCV003124894.2), dbSNP rs778261298, ClinGen allele CA2669016.

ClinVar aggregate classification (germline): Likely benign. Review status: criteria provided, multiple submitters, no conflicts (2 of 4 stars). 2 submissions from 2 submitters: Likely benign (2). Last evaluated 2024-11-15.

Conditions:
Inborn genetic diseases. Identifiers: MedGen C0950123, MeSH D030342.
MED12L-related disorder. Also called: MED12L-related condition.

Allele frequency attached by ClinVar (database versions not stated): TOPMed 0.00006.
gnomAD v4.1: 44 of 1,614,048 alleles (0.0027%); highest among the groups gnomAD compares: Admixed American, 0.065%; no homozygotes.

Submissions (2):

PreventionGenetics, part of Exact Sciences
Classification: Likely benign for MED12L-related condition. Last evaluated: 2024-11-15. Review status: criteria provided, single submitter. Criteria: ACMG Guidelines, 2015. Collection method: clinical testing. Allele origin: germline.
Comment: This variant is classified as likely benign based on ACMG/AMP sequence variant interpretation guidelines (Richards et al. 2015 PMID: 25741868, with internal and published modifications).

Ambry Genetics
Classification: Likely benign for Inborn genetic diseases. Last evaluated: 2022-09-14. Review status: criteria provided, single submitter. Criteria: Ambry Variant Classification Scheme 2023. Collection method: clinical testing. Allele origin: germline.